The following is an entry in ClinVar:

NM_001701.4(BAAT):c.223C>T (p.Pro75Ser)

Gene: BAAT (bile acid-CoA:amino acid N-acyltransferase; minus strand). Cytogenetic location: 9q31.1.
Variant type: single nucleotide variant.
Coding change: c.223C>T on transcript NM_001701.4 (MANE Select); coding-DNA position 223, C replaced by T.
Protein change: p.Pro75Ser; replaces proline 75 with serine.
Molecular consequence: missense variant.
Genome position (GRCh38, 1-based): chr9:101,371,182, G>A on the plus strand (C>T on the coding strand, the complement: BAAT is on the minus strand). VCF-style: chr9-101371182-G-A. GRCh37 (hg19) VCF-style: chr9-104133464-G-A.
Other names: c.223C>T (NM_001701.3); c.223C>T, p.Pro75Ser (NM_001127610.2, NM_001374715.1); short protein forms P75S.
Identifiers: ClinVar variation 498413 (VCV000498413.9), dbSNP rs554475990, ClinGen allele CA196950346.
Genomic context (GRCh38, chr9:101,371,182, plus strand): 5'-CTCTTTTCAACAGTCTTGTTAATAGCTTTTCAGGTTTCAGAGACCAGAAGAGACCCATGG[G>A]GTGGACTCCCATATAATCCCCTCCAAGTGAAGAAGCATGATTCAGGTCCACCTCACCGAA-3'
Protein context (NP_001692.1, residues 65-85): SLGGDYMGVH[Pro75Ser]MGLFWSLKPE

ClinVar aggregate classification (germline): Uncertain significance. Review status: criteria provided, multiple submitters, no conflicts (2 of 4 stars). 3 submissions from 3 submitters: Uncertain significance (3). Last evaluated 2026-02-03.

Conditions:
BAAT-related disorder. Also called: BAAT-related condition.

Allele frequency attached by ClinVar (database versions not stated): gnomAD exomes 0.00001; gnomAD 0.00009; 1000 Genomes Project 30x 0.00016; 1000 Genomes Project 0.00020; TOPMed 0.00028.
gnomAD v4.1: 29 of 1,614,058 alleles (0.0018%); highest among the groups gnomAD compares: Admixed American, 0.03%; no homozygotes.

Submissions (3):

PreventionGenetics, part of Exact Sciences
Classification: Uncertain significance for BAAT-related condition. Last evaluated: 2026-02-03. Review status: criteria provided, single submitter. Criteria: ACMG Guidelines, 2015. Collection method: clinical testing. Allele origin: germline.
Comment: The BAAT c.223C>T variant is predicted to result in the amino acid substitution p.Pro75Ser. To our knowledge, this variant has not been reported in the literature or in a large population database (gnomAD), indicating this variant is rare. At this time, the clinical significance of this variant is uncertain due to the absence of conclusive functional and genetic evidence.

Ambry Genetics
Classification: Uncertain significance. Last evaluated: 2025-09-01. Review status: criteria provided, single submitter. Criteria: Ambry Variant Classification Scheme 2023. Collection method: clinical testing. Allele origin: germline.

Eurofins Ntd Llc (ga)
Classification: Uncertain significance. Last evaluated: 2018-05-17. Review status: criteria provided, single submitter. Criteria: EGL ClinVar v180209 classification definitions. Collection method: clinical testing. Allele origin: germline. Observed: 2 variant alleles, 2 heterozygotes.